The following is an entry in ClinVar:

NM_001004334.4(GPR179):c.88C>T (p.Arg30Trp)

Gene: GPR179 (G protein-coupled receptor 179; minus strand). Cytogenetic location: 17q12.
Variant type: single nucleotide variant.
Coding change: c.88C>T on transcript NM_001004334.4 (MANE Select); coding-DNA position 88, C replaced by T.
Protein change: p.Arg30Trp; replaces arginine 30 with tryptophan.
Molecular consequence: missense variant.
Genome position (GRCh38, 1-based): chr17:38,343,702, G>A on the plus strand (C>T on the coding strand, the complement: GPR179 is on the minus strand). VCF-style: chr17-38343702-G-A. GRCh37 (hg19) VCF-style: chr17-36499585-G-A.
Other names: c.88C>T (NM_001004334.2); short protein forms R30W.
Identifiers: ClinVar variation 1360945 (VCV001360945.7), dbSNP rs369559405, ClinGen allele CA290111946.

ClinVar aggregate classification (germline): Uncertain significance. Review status: criteria provided, multiple submitters, no conflicts (2 of 4 stars). 3 submissions from 3 submitters: Uncertain significance (3). Last evaluated 2025-08-09.

Conditions:
Inborn genetic diseases. Identifiers: MedGen C0950123, MeSH D030342.

Allele frequency attached by ClinVar (database versions not stated): gnomAD exomes 0.00002 and 0.00003; ExAC 0.00003; gnomAD 0.00003 and 0.00004; TOPMed 0.00003; ESP Exome Variant Server 0.00008.
gnomAD v4.1: 34 of 1,600,618 alleles (0.0021%); highest among the groups gnomAD compares: Admixed American, 0.0084%; no homozygotes.

Submissions (3):

Ambry Genetics
Classification: Uncertain significance for Inborn genetic diseases. Last evaluated: 2025-08-09. Review status: criteria provided, single submitter. Criteria: Ambry Variant Classification Scheme 2023. Collection method: clinical testing. Allele origin: germline.

Labcorp Genetics (formerly Invitae), Labcorp
Classification: Uncertain significance. Last evaluated: 2022-02-22. Review status: criteria provided, single submitter. Criteria: Invitae Variant Classification Sherloc (09022015). Collection method: clinical testing. Allele origin: germline.
Comment: This sequence change replaces arginine, which is basic and polar, with tryptophan, which is neutral and slightly polar, at codon 30 of the GPR179 protein (p.Arg30Trp). This variant is present in population databases (rs369559405, gnomAD 0.009%). This variant has not been reported in the literature in individuals affected with GPR179-related conditions. Algorithms developed to predict the effect of missense changes on protein structure and function output the following: SIFT: "Deleterious"; PolyPhen-2: "Benign"; Align-GVGD: "Class C15". The tryptophan amino acid residue is found in multiple mammalian species, which suggests that this missense change does not adversely affect protein function. In summary, the available evidence is currently insufficient to determine the role of this variant in disease. Therefore, it has been classified as a Variant of Uncertain Significance.

Blueprint Genetics
Classification: Uncertain significance. Last evaluated: 2020-02-25. Review status: criteria provided, single submitter. Criteria: ACMG Guidelines, 2015. Collection method: clinical testing. Allele origin: germline.